The following is an entry in ClinVar:

ClinVar aggregate classification (germline): Uncertain significance (1 of 4 stars; one submission).

Submission:

GeneDx
Classification: Uncertain significance. Last evaluated: 2026-03-28. Review status: criteria provided, single submitter. Criteria: GeneDx Variant Classification Process June 2021. Collection method: clinical testing. Allele origin: germline.
Comment: Not observed at significant frequency in large population cohorts (gnomAD); In silico analysis suggests that this missense variant does not alter protein structure/function; Has not been previously published as pathogenic or benign to our knowledge

NM_014727.3(KMT2B):c.199C>G (p.Leu67Val)

Genes: KMT2B (lysine methyltransferase 2B; plus strand), LOC130064258 (ATAC-STARR-seq lymphoblastoid silent region 10535; plus strand). Cytogenetic location: 19q13.12.
Variant type: single nucleotide variant.
Coding change: c.199C>G on transcript NM_014727.3 (MANE Select); coding-DNA position 199, C replaced by G.
Protein change: p.Leu67Val; replaces leucine 67 with valine.
Molecular consequence: missense variant.
Genome position (GRCh38, 1-based): chr19:35,718,217, C>G. VCF-style: chr19-35718217-C-G. GRCh37 (hg19) VCF-style: chr19-36209119-C-G.
Other names: short protein forms L67V.
Identifiers: ClinVar variation 5017816 (VCV005017816.1).